The following is an entry in ClinVar:

NM_019844.4(SLCO1B3):c.1610A>G (p.Tyr537Cys)

Genes: SLCO1B3 (solute carrier organic anion transporter family member 1B3; plus strand), SLCO1B3-SLCO1B7 (SLCO1B3-SLCO1B7 readthrough; plus strand). Cytogenetic location: 12p12.2.
Variant type: single nucleotide variant.
Coding change: c.1610A>G on transcript NM_019844.4 (MANE Select); coding-DNA position 1610, A replaced by G.
Protein change: p.Tyr537Cys; replaces tyrosine 537 with cysteine.
Molecular consequence: missense variant.
Genome position (GRCh38, 1-based): chr12:20,883,530, A>G. VCF-style: chr12-20883530-A-G. GRCh37 (hg19) VCF-style: chr12-21036464-A-G.
Other names: c.1526A>G, p.Tyr509Cys (NM_001349920.2); c.1610A>G, p.Tyr537Cys (NM_001371097.1); short protein forms Y509C, Y537C.
Identifiers: ClinVar variation 811736 (VCV000811736.13), dbSNP rs150998576, ClinGen allele CA6475624.

ClinVar aggregate classification (germline): Uncertain significance. Review status: criteria provided, multiple submitters, no conflicts (2 of 4 stars). 3 submissions from 3 submitters: Uncertain significance (2). 1 of the submissions does not count toward it. Last evaluated 2023-05-09.

Conditions:
SLCO1B3-related disorder. Also called: SLCO1B3-related condition.
Rotor syndrome (HBLRR). Also called: HYPERBILIRUBINEMIA, ROTOR TYPE, DIGENIC; HYPERBILIRUBINEMIA, ROTOR TYPE. Identifiers: Orphanet 3111, MedGen C0220991, MONDO:0009379, OMIM 237450.

Allele frequency attached by ClinVar (database versions not stated): gnomAD exomes 0.00031 and 0.00032; TOPMed 0.00032; ExAC 0.00033; gnomAD 0.00033 and 0.00034; ESP Exome Variant Server 0.00038.
gnomAD v4.1: 515 of 1,605,350 alleles (0.032%); highest among the groups gnomAD compares: Middle Eastern, 0.13%; 3 homozygotes.

Submissions (3):

ARUP Laboratories, Molecular Genetics and Genomics, ARUP Laboratories
Classification: Uncertain significance for Rotor syndrome. Last evaluated: 2023-05-09. Review status: criteria provided, single submitter. Criteria: ARUP Molecular Germline Variant Investigation Process 2024. Collection method: clinical testing. Allele origin: germline.

CENTOGENE GmbH and LLC - Guiding Precision Medicine
Classification: Uncertain significance for Rotor syndrome. Last evaluated: 2020-01-13. Review status: criteria provided, single submitter. Criteria: ACMG Guidelines, 2015. Collection method: clinical testing. Allele origin: germline. Affected: no.

PreventionGenetics, part of Exact Sciences
Classification: Uncertain significance for SLCO1B3-related condition. Last evaluated: 2024-09-23. Review status: no assertion criteria provided. Collection method: clinical testing. Allele origin: germline. Not counted in ClinVar's aggregate classification.
Comment: The SLCO1B3 c.1610A>G variant is predicted to result in the amino acid substitution p.Tyr537Cys. To our knowledge, this variant has not been reported in the literature. This variant is reported in 0.064% of alleles in individuals of Latino descent in gnomAD. Although we suspect that this variant may be benign, at this time, the clinical significance of this variant is uncertain due to the absence of conclusive functional and genetic evidence.